The following is an entry in ClinVar:

NM_001035.3(RYR2):c.9718C>T (p.Pro3240Ser)

Gene: RYR2 (ryanodine receptor 2; plus strand). Cytogenetic location: 1q43.
Variant type: single nucleotide variant.
Coding change: c.9718C>T on transcript NM_001035.3 (MANE Select); coding-DNA position 9718, C replaced by T.
Protein change: p.Pro3240Ser; replaces proline 3240 with serine.
Molecular consequence: missense variant.
Genome position (GRCh38, 1-based): chr1:237,707,086, C>T. VCF-style: chr1-237707086-C-T. GRCh37 (hg19) VCF-style: chr1-237870386-C-T.
Other names: short protein forms P3240S.
Identifiers: ClinVar variation 2774367 (VCV002774367.2), dbSNP rs2547402232, ClinGen allele CA345408635.

ClinVar aggregate classification (germline): Uncertain significance (1 of 4 stars; one submission).

Conditions:
Cardiomyopathy (CMYO). Also called: Cardiomyopathies. Identifiers: Orphanet 167848, MedGen C0878544, MONDO:0004994, HP:0001638. Inheritance: Various modes of inheritance.

Submission:

Color Diagnostics, LLC DBA Color Health
Classification: Uncertain significance for Cardiomyopathy. Last evaluated: 2024-03-07. Review status: criteria provided, single submitter. Criteria: ACMG Guidelines, 2015. Collection method: clinical testing. Allele origin: germline.
Comment: This missense variant replaces proline with serine at codon 3240 of the RYR2 protein. Computational prediction suggests that this variant may have deleterious impact on protein structure and function (internally defined REVEL score threshold >= 0.7, PMID: 27666373). To our knowledge, functional studies have not been reported for this variant. This variant has not been reported in individuals affected with cardiovascular disorders in the literature. This variant has not been identified in the general population by the Genome Aggregation Database (gnomAD). The available evidence is insufficient to determine the role of this variant in disease conclusively. Therefore, this variant is classified as a Variant of Uncertain Significance.